The following is an entry in ClinVar:

ClinVar aggregate classification (germline): Pathogenic (1 of 4 stars; one submission).

Conditions:
Mowat-Wilson syndrome (MOWS). Also called: Classic Mowat-Wilson Syndrome. Identifiers: Orphanet 2152, MedGen C1856113, MONDO:0009341, OMIM 235730.

Submission:

GeneDx
Classification: Pathogenic for Mowat-Wilson Syndrome: Autosomal dominant inheritence. Last evaluated: 2014-03-31. Review status: criteria provided, single submitter. Criteria: GeneDx Variant Classification (06012015). Collection method: clinical testing. Allele origin: germline. Affected: yes.
Comment: This mutation is denoted c.999delA at the cDNA level and p.Lys333AsnfsX5 (K333NfsX5) at the protein level; it is in exon 8 of the ZEB2 gene (NM_014795.3). The normal sequence with the deleted base in braces is: AGAA{A}TGTA. The c.999delA mutation in the ZEB2 gene causes a frameshift starting with codon Lysine 333, changes this amino acid to an Asparagine residue and creates a premature Stop codon at position 5 of the new reading frame, denoted p.Lys333AsnfsX5. This mutation is predicted to cause loss of normal protein function either through protein truncation or nonsense-mediated mRNA decay. Although this mutation has not been previously reported to our knowledge, its presence is consistent with the diagnosis of Mowat-Wilson syndrome, an autosomal dominant disorder. The variant is found in INFANT-EPI panel(s).

NM_014795.4(ZEB2):c.999del (p.Lys333fs)

Gene: ZEB2 (zinc finger E-box binding homeobox 2; minus strand). Cytogenetic location: 2q22.3.
Variant type: Deletion.
Coding change: c.999del on transcript NM_014795.4 (MANE Select); coding-DNA position 999, one base deleted (A; older notation c.999delA).
Protein change: p.Lys333fs; shifts the reading frame from lysine 333.
Molecular consequence: frameshift variant.
Genome position (GRCh38, 1-based): chr2:144,400,188, T deleted on the plus strand (A on the coding strand, the reverse complement: ZEB2 is on the minus strand); the first of 3 consecutive T bases (chr2:144,400,188-144,400,190); deleting any one gives the same sequence. VCF-style (leftmost placement, unchanged base first): chr2-144400187-AT-A. GRCh37 (hg19) VCF-style: chr2-145157754-AT-A.
Other names: c.927del, p.Lys309fs (NM_001171653.2); short protein forms K309fs, K333fs.
Identifiers: ClinVar variation 181751 (VCV000181751.1), dbSNP rs730881208, ClinGen allele CA297629.